The following is an entry in ClinVar:

ClinVar aggregate classification (germline): Uncertain significance (1 of 4 stars; one submission).

Conditions:
Ehlers-Danlos syndrome, kyphoscoliotic type 1 (EDSKSCL1). Also called: EHLERS-DANLOS SYNDROME, TYPE VIA; Ehlers-Danlos syndrome, hydroxylysine-deficient; EHLERS-DANLOS SYNDROME, OCULAR-SCOLIOTIC TYPE; PLOD1-Related Kyphoscoliotic Ehlers-Danlos Syndrome. Identifiers: Orphanet 1900, MedGen C0268342, MONDO:0016002, OMIM 225400. Disease mechanism: loss of function.

Submission:

Laboratorio de Genetica e Diagnostico Molecular, Hospital Israelita Albert Einstein
Classification: Uncertain significance for Ehlers-Danlos syndrome, kyphoscoliotic type 1. Last evaluated: 2022-08-12. Review status: criteria provided, single submitter. Criteria: ACMG Guidelines, 2015. Collection method: clinical testing. Allele origin: germline. Affected: yes.
Comment: ACMG classification criteria: PM2 moderate, PP3 supporting

NM_000302.4(PLOD1):c.1292C>T (p.Ser431Phe)

Gene: PLOD1 (procollagen-lysine,2-oxoglutarate 5-dioxygenase 1; plus strand). Cytogenetic location: 1p36.22.
Variant type: single nucleotide variant.
Coding change: c.1292C>T on transcript NM_000302.4 (MANE Select); coding-DNA position 1292, C replaced by T.
Protein change: p.Ser431Phe; replaces serine 431 with phenylalanine.
Molecular consequence: missense variant.
Genome position (GRCh38, 1-based): chr1:11,964,264, C>T. VCF-style: chr1-11964264-C-T. GRCh37 (hg19) VCF-style: chr1-12024321-C-T.
Other names: c.1433C>T, p.Ser478Phe (NM_001316320.2); short protein forms S431F, S478F.
Identifiers: ClinVar variation 4056739 (VCV004056739.1).